The following is an entry in ClinVar:

ClinVar aggregate classification (germline): Benign. Review status: criteria provided, multiple submitters, no conflicts (2 of 4 stars). 4 submissions from 4 submitters: Benign (3). 1 of the submissions does not count toward it. Last evaluated 2021-05-04.

Conditions:
DNAH17-related disorder. Also called: DNAH17-related condition.

Allele frequency attached by ClinVar (database versions not stated): gnomAD exomes 0.21715 and 0.24891; ExAC 0.27498; ESP Exome Variant Server 0.34348; gnomAD 0.34549 and 0.35359; TOPMed 0.36367; 1000 Genomes Project 0.37560; 1000 Genomes Project 30x 0.38898.
gnomAD v4.1: 370,859 of 1,611,882 alleles (23%); highest among the groups gnomAD compares: African/African-American, 69%; 51,979 homozygotes.

Submissions (4):

GeneDx
Classification: Benign. Last evaluated: 2021-05-04. Review status: criteria provided, single submitter. Criteria: GeneDx Variant Classification Process June 2021. Collection method: clinical testing. Allele origin: germline. Affected: yes.

Laboratory for Molecular Medicine, Mass General Brigham Personalized Medicine
Classification: Benign. Last evaluated: 2016-03-29. Review status: criteria provided, single submitter. Criteria: LMM Criteria. Collection method: clinical testing. Allele origin: germline.
Comment: Variant identified in a genome or exome case(s) and assessed due to predicted null impact of the variant or pathogenic assertions in the literature or databases. Disclaimer: This variant has not undergone full assessment. The following are preliminary notes: Frequency

Breakthrough Genomics
Classification: Benign. Review status: criteria provided, single submitter. Criteria: ACMG Guidelines, 2015. Collection method: not provided. Allele origin: germline. Inheritance: Autosomal recessive inheritance. Affected: yes.

PreventionGenetics, part of Exact Sciences
Classification: Benign for DNAH17-related condition. Last evaluated: 2019-10-17. Review status: no assertion criteria provided. Collection method: clinical testing. Allele origin: germline. Not counted in ClinVar's aggregate classification.
Comment: This variant is classified as benign based on ACMG/AMP sequence variant interpretation guidelines (Richards et al. 2015 PMID: 25741868, with internal and published modifications).

NM_173628.4(DNAH17):c.8040C>T (p.Leu2680=)

Gene: DNAH17 (dynein axonemal heavy chain 17; minus strand). Cytogenetic location: 17q25.3.
Variant type: single nucleotide variant.
Coding change: c.8040C>T on transcript NM_173628.4 (MANE Select); coding-DNA position 8040, C replaced by T.
Protein change: p.Leu2680=; no amino-acid change (leucine 2680 retained).
Molecular consequence: synonymous variant.
Genome position (GRCh38, 1-based): chr17:78,476,686, G>A on the plus strand (C>T on the coding strand, the complement: DNAH17 is on the minus strand). VCF-style: chr17-78476686-G-A. GRCh37 (hg19) VCF-style: chr17-76472768-G-A.
Identifiers: ClinVar variation 402679 (VCV000402679.9), dbSNP rs7405830, ClinGen allele CA8802005.